The following is an entry in ClinVar:

ClinVar aggregate classification (germline): Uncertain significance (1 of 4 stars; one submission).

Submission:

GeneDx
Classification: Uncertain significance. Last evaluated: 2022-03-22. Review status: criteria provided, single submitter. Criteria: GeneDx Variant Classification Process June 2021. Collection method: clinical testing. Allele origin: germline. Affected: yes.
Comment: Not observed at significant frequency in large population cohorts (gnomAD); In silico analysis supports that this missense variant does not alter protein structure/function; Has not been previously published as pathogenic or benign to our knowledge

NM_022101.4(STEEP1):c.391A>G (p.Ile131Val)

Gene: STEEP1 (STING1 ER exit protein 1; minus strand). Cytogenetic location: Xq24.
Variant type: single nucleotide variant.
Coding change: c.391A>G on transcript NM_022101.4 (MANE Select); coding-DNA position 391, A replaced by G.
Protein change: p.Ile131Val; replaces isoleucine 131 with valine.
Molecular consequence: missense variant.
Genome position (GRCh38, 1-based): chrX:119,544,385, T>C on the plus strand (A>G on the coding strand, the complement: STEEP1 is on the minus strand). VCF-style: chrX-119544385-T-C. GRCh37 (hg19) VCF-style: chrX-118678348-T-C.
Other names: c.244A>G, p.Ile82Val (NM_001170569.1); c.349A>G, p.Ile117Val (NM_001170570.2); short protein forms I117V, I131V, I82V.
Identifiers: ClinVar variation 1707276 (VCV001707276.2), dbSNP rs764890967, ClinGen allele CA414372090.